The following is an entry in ClinVar:

NM_020964.3(EPG5):c.6020_6021del (p.Cys2007fs)

Gene: EPG5 (ectopic P-granules 5 autophagy tethering factor; minus strand). Cytogenetic location: 18q12.3.
Variant type: Deletion.
Coding change: c.6020_6021del on transcript NM_020964.3 (MANE Select); coding-DNA positions 6020 to 6021, 2 bases deleted (GT; older notation c.6020_6021delGT).
Protein change: p.Cys2007fs; shifts the reading frame from cysteine 2007.
Molecular consequence: frameshift variant.
Genome position (GRCh38, 1-based): chr18:45,876,264-45,876,265, AC deleted on the plus strand (GT on the coding strand, the reverse complement: EPG5 is on the minus strand); deleting any 2 consecutive bases within chr18:45,876,264-45,876,266 gives the same sequence; the c. name uses the placement nearest the transcript's 3' end. VCF-style (leftmost placement, unchanged base first): chr18-45876263-TAC-T. GRCh37 (hg19) VCF-style: chr18-43456228-TAC-T.
Other names: c.6020_6021del, p.Cys2007fs (LRG_1234t1); short protein forms C2007fs.
Identifiers: ClinVar variation 421586 (VCV000421586.7), dbSNP rs1064795230, ClinGen allele CA16620690.
Genomic context (GRCh38, chr18:45,876,263, plus strand): 5'-AAACTAAGCAGAGACAGCCTGACATCTTCCTACCTTTAAAACTCTCATGCAGTGAGTCAA[TAC>T]AGTCAGTGAACAGCTGCACAATGCTTGAGGCCACCACAGTATCACTCTCTAGCCAGGGGT-3'

ClinVar aggregate classification (germline): Pathogenic/Likely pathogenic. Review status: criteria provided, multiple submitters, no conflicts (2 of 4 stars). 3 submissions from 3 submitters: Pathogenic (1); Likely pathogenic (2). Last evaluated 2024-10-21.

Conditions:
Vici syndrome (VICIS). Identifiers: Orphanet 1493, MedGen C1855772, MONDO:0009452, OMIM 242840.

Submissions (3):

Laboratorio de Genetica e Diagnostico Molecular, Hospital Israelita Albert Einstein
Classification: Likely pathogenic for Vici syndrome. Last evaluated: 2024-10-21. Review status: criteria provided, single submitter. Criteria: ACMG Guidelines, 2015. Collection method: clinical testing. Allele origin: germline. Affected: yes.
Comment: ACMG classification criteria: PVS1 very strong, PM2 supporting

Labcorp Genetics (formerly Invitae), Labcorp
Classification: Pathogenic for Vici syndrome. Last evaluated: 2022-08-02. Review status: criteria provided, single submitter. Criteria: Invitae Variant Classification Sherloc (09022015). Collection method: clinical testing. Allele origin: germline.
Comment: For these reasons, this variant has been classified as Pathogenic. Algorithms developed to predict the effect of sequence changes on RNA splicing suggest that this variant may disrupt the consensus splice site. ClinVar contains an entry for this variant (Variation ID: 421586). This variant has not been reported in the literature in individuals affected with EPG5-related conditions. This variant is not present in population databases (gnomAD no frequency). This sequence change creates a premature translational stop signal (p.Cys2007Tyrfs*2) in the EPG5 gene. It is expected to result in an absent or disrupted protein product. Loss-of-function variants in EPG5 are known to be pathogenic (PMID: 23222957, 23674064).

GeneDx
Classification: Likely pathogenic. Last evaluated: 2016-07-01. Review status: criteria provided, single submitter. Criteria: GeneDx Variant Classification (06012015). Collection method: clinical testing. Allele origin: germline. Affected: yes.
Comment: The c.6020_6021delGT variant in the EPG5 gene has not been reported previously as a pathogenic variant nor as a benign variant, to our knowledge. The c.6020_6021delGT variant causes a frameshift starting with Cysteine 2007, changes this amino acid to a Tyrosine residue, and creates a premature Stop codon at position 2 of the new reading frame, denoted p.Cys2007TyrfsX2. This variant is predicted to cause loss of normal protein function either through protein truncation or nonsense-mediated mRNA decay. The c.6020_6021delGT variant was not observed in approximately 6200 individuals of European and African American ancestry in the NHLBI Exome Sequencing Project, indicating it is not a common benign variant in these populations. The c.6020_6021delGT variant is a strong candidate for a pathogenic variant, however the possibility it may be a rare benign variant cannot be excluded

Literature cited by the submitters: PubMed 23222957 (cited by Labcorp Genetics (formerly Invitae), Labcorp); PubMed 23674064 (cited by Labcorp Genetics (formerly Invitae), Labcorp).